The following is an entry in ClinVar:

ClinVar aggregate classification (germline): Benign/Likely benign. Review status: criteria provided, multiple submitters, no conflicts (2 of 4 stars). 6 submissions from 6 submitters: Benign (3); Likely benign (3). Last evaluated 2026-01-31.

Conditions:
Inborn genetic diseases. Identifiers: MedGen C0950123, MeSH D030342.
Neuronal ceroid lipofuscinosis 2. Also called: JANSKY-BIELSCHOWSKY DISEASE NEURONAL CEROID LIPOFUSCINOSIS, LATE INFANTILE; TPP1-Related Neuronal Ceroid-Lipofuscinosis. Identifiers: Orphanet 168491, Orphanet 228349, Orphanet 79264, MedGen C1876161, MONDO:0008769, OMIM 204500.

Allele frequency attached by ClinVar (database versions not stated): gnomAD exomes 0.00031 and 0.00079; ExAC 0.00098; 1000 Genomes Project 30x 0.00312; gnomAD 0.00318 and 0.00339; 1000 Genomes Project 0.00339; TOPMed 0.00339; ESP Exome Variant Server 0.00369.
gnomAD v4.1: 953 of 1,614,178 alleles (0.059%); highest among the groups gnomAD compares: African/African-American, 1.1%; 7 homozygotes.

Submissions (6):

Labcorp Genetics (formerly Invitae), Labcorp
Classification: Benign. Last evaluated: 2026-01-31. Review status: criteria provided, single submitter. Criteria: Invitae Variant Classification Sherloc (09022015). Collection method: clinical testing. Allele origin: germline.

Blueprint Genetics
Classification: Likely benign. Last evaluated: 2024-11-20. Review status: criteria provided, single submitter. Criteria: ACMG Guidelines, 2015. Collection method: clinical testing. Allele origin: germline.

Illumina Laboratory Services, Illumina
Classification: Likely benign for Neuronal ceroid lipofuscinosis 2. Last evaluated: 2017-04-27. Review status: criteria provided, single submitter. Criteria: ICSL Variant Classification Criteria 13 December 2019. Collection method: clinical testing. Allele origin: germline.
Comment: This variant was observed as part of a predisposition screen in an ostensibly healthy population. A literature search was performed for the gene, cDNA change, and amino acid change (where applicable). No publications were found based on this search. Allele frequency data from public databases allowed determination this variant is unlikely to cause disease. Therefore, this variant is classified as likely benign.

Ambry Genetics
Classification: Benign for Inborn genetic diseases. Last evaluated: 2016-03-21. Review status: criteria provided, single submitter. Criteria: Ambry Variant Classification Scheme 2023. Collection method: clinical testing. Allele origin: germline.

GeneDx
Classification: Benign. Last evaluated: 2013-07-30. Review status: criteria provided, single submitter. Criteria: GeneDx Variant Classification (06012015). Collection method: clinical testing. Allele origin: germline. Affected: yes.
Comment: This variant is considered likely benign or benign based on one or more of the following criteria: it is a conservative change, it occurs at a poorly conserved position in the protein, it is predicted to be benign by multiple in silico algorithms, and/or has population frequency not consistent with disease.

Breakthrough Genomics
Classification: Likely benign. Review status: criteria provided, single submitter. Criteria: ACMG Guidelines, 2015. Collection method: not provided. Allele origin: germline. Inheritance: Autosomal recessive inheritance. Affected: yes.

NM_000391.4(TPP1):c.1396G>A (p.Val466Met)

Gene: TPP1 (tripeptidyl peptidase 1; minus strand). Cytogenetic location: 11p15.4.
Variant type: single nucleotide variant.
Coding change: c.1396G>A on transcript NM_000391.4 (MANE Select); coding-DNA position 1396, G replaced by A.
Protein change: p.Val466Met; replaces valine 466 with methionine.
Molecular consequence: missense variant.
Genome position (GRCh38, 1-based): chr11:6,615,200, C>T on the plus strand (G>A on the coding strand, the complement: TPP1 is on the minus strand). VCF-style: chr11-6615200-C-T. GRCh37 (hg19) VCF-style: chr11-6636431-C-T.
Other names: p.V466M:GTG>ATG; short protein forms V466M.
Identifiers: ClinVar variation 137704 (VCV000137704.22), dbSNP rs78970155, ClinGen allele CA291362.